The following is an entry in ClinVar:

ClinVar aggregate classification (germline): Uncertain significance (1 of 4 stars; one submission).

Submission:

GeneDx
Classification: Uncertain significance. Last evaluated: 2024-06-24. Review status: criteria provided, single submitter. Criteria: GeneDx Variant Classification Process June 2021. Collection method: clinical testing. Allele origin: germline. Affected: yes.
Comment: Not observed at significant frequency in large population cohorts (gnomAD); In silico analysis indicates that this missense variant does not alter protein structure/function; Has not been previously published as pathogenic or benign to our knowledge

NM_015057.5(MYCBP2):c.12649G>C (p.Val4217Leu)

Gene: MYCBP2 (MYC binding protein 2; minus strand). Cytogenetic location: 13q22.3.
Variant type: single nucleotide variant.
Coding change: c.12649G>C on transcript NM_015057.5 (MANE Select); coding-DNA position 12649, G replaced by C.
Protein change: p.Val4217Leu; replaces valine 4217 with leucine.
Molecular consequence: missense variant.
Genome position (GRCh38, 1-based): chr13:77,064,638, C>G on the plus strand (G>C on the coding strand, the complement: MYCBP2 is on the minus strand). VCF-style: chr13-77064638-C-G. GRCh37 (hg19) VCF-style: chr13-77638773-C-G.
Other names: short protein forms V4217L.
Identifiers: ClinVar variation 3392774 (VCV003392774.1).